The following is an entry in ClinVar:

ClinVar aggregate classification (germline): Uncertain significance (1 of 4 stars; one submission).

Submission:

GeneDx
Classification: Uncertain significance. Last evaluated: 2025-04-25. Review status: criteria provided, single submitter. Criteria: GeneDx Variant Classification Process June 2021. Collection method: clinical testing. Allele origin: germline. Affected: yes.
Comment: Not observed at significant frequency in large population cohorts (gnomAD); In silico analysis supports that this missense variant has a deleterious effect on protein structure/function; Has not been previously published as pathogenic or benign to our knowledge

NM_001003694.2(BRPF1):c.3101C>A (p.Pro1034His)

Gene: BRPF1 (bromodomain and PHD finger containing 1; plus strand). Cytogenetic location: 3p25.3.
Variant type: single nucleotide variant.
Coding change: c.3101C>A on transcript NM_001003694.2 (MANE Select); coding-DNA position 3101, C replaced by A.
Protein change: p.Pro1034His; replaces proline 1034 with histidine.
Molecular consequence: missense variant. On other transcripts: non-coding transcript variant (1).
Genome position (GRCh38, 1-based): chr3:9,745,605, C>A. VCF-style: chr3-9745605-C-A. GRCh37 (hg19) VCF-style: chr3-9787289-C-A.
Other names: c.2798C>A, p.Pro933His (NM_001319049.2); c.3080C>A, p.Pro1027His (NM_001319050.2, NM_001438342.1, NM_001438343.1); c.3098C>A, p.Pro1033His (NM_001410704.1); c.3083C>A, p.Pro1028His (NM_001437892.1, NM_004634.3); c.2816C>A, p.Pro939His (NM_001438344.1); c.2813C>A, p.Pro938His (NM_001438345.1); c.2795C>A, p.Pro932His (NM_001438346.1); short protein forms P1027H, P1028H, P1033H, P1034H, P932H, P933H, P938H, P939H.
Identifiers: ClinVar variation 4527360 (VCV004527360.1).
Genomic context (GRCh38, chr3:9,745,605, plus strand): 5'-AGCTGAGCTCCCATTGTCTTGTCCACAGCACAACGCCCTCAAAACAAGGCCGGGGCAAAC[C>A]CTCCTTCTCTCGGGGCACTTTCCCAGAGGACAGCAGTGAGGATACCTCAGGCACTGAGAA-3'
Protein context (NP_001003694.1, residues 1024-1044): TTPSKQGRGK[Pro1034His]SFSRGTFPED